The following is an entry in ClinVar:

ClinVar aggregate classification (germline): Likely pathogenic (1 of 4 stars; one submission).

Submission:

CeGaT Center for Human Genetics Tuebingen
Classification: Likely pathogenic. Last evaluated: 2023-10-01. Review status: criteria provided, single submitter. Criteria: CeGaT Center For Human Genetics Tuebingen Variant Classification Criteria Version 2. Collection method: clinical testing. Allele origin: germline. Affected: yes. Observed: 2 variant alleles.
Comment: KCNJ10: PM2, PM3, PM5, PP3

NM_002241.5(KCNJ10):c.487G>T (p.Gly163Cys)

Gene: KCNJ10 (potassium inwardly rectifying channel subfamily J member 10; minus strand). Cytogenetic location: 1q23.2.
Variant type: single nucleotide variant.
Coding change: c.487G>T on transcript NM_002241.5 (MANE Select); coding-DNA position 487, G replaced by T.
Protein change: p.Gly163Cys; replaces glycine 163 with cysteine.
Molecular consequence: missense variant.
Genome position (GRCh38, 1-based): chr1:160,042,046, C>A on the plus strand (G>T on the coding strand, the complement: KCNJ10 is on the minus strand). VCF-style: chr1-160042046-C-A. GRCh37 (hg19) VCF-style: chr1-160011836-C-A.
Other names: short protein forms G163C.
Identifiers: ClinVar variation 1879103 (VCV001879103.29), dbSNP rs1264952975, ClinGen allele CA343226781.